The following is an entry in ClinVar:

NM_000391.4(TPP1):c.1439T>C (p.Val480Ala)

Gene: TPP1 (tripeptidyl peptidase 1; minus strand). Cytogenetic location: 11p15.4.
Variant type: single nucleotide variant.
Coding change: c.1439T>C on transcript NM_000391.4 (MANE Select); coding-DNA position 1439, T replaced by C.
Protein change: p.Val480Ala; replaces valine 480 with alanine.
Molecular consequence: missense variant.
Genome position (GRCh38, 1-based): chr11:6,614,978, A>G on the plus strand (T>C on the coding strand, the complement: TPP1 is on the minus strand). VCF-style: chr11-6614978-A-G. GRCh37 (hg19) VCF-style: chr11-6636209-A-G.
Other names: short protein forms V480A.
Identifiers: ClinVar variation 1990195 (VCV001990195.4), dbSNP rs1192702664, ClinGen allele CA379472469.

ClinVar aggregate classification (germline): Uncertain significance (1 of 4 stars; one submission).

Submission:

Labcorp Genetics (formerly Invitae), Labcorp
Classification: Uncertain significance. Last evaluated: 2023-10-26. Review status: criteria provided, single submitter. Criteria: Invitae Variant Classification Sherloc (09022015). Collection method: clinical testing. Allele origin: germline.
Comment: This sequence change replaces valine, which is neutral and non-polar, with alanine, which is neutral and non-polar, at codon 480 of the TPP1 protein (p.Val480Ala). This variant is not present in population databases (gnomAD no frequency). This variant has not been reported in the literature in individuals affected with TPP1-related conditions. ClinVar contains an entry for this variant (Variation ID: 1990195). Advanced modeling of protein sequence and biophysical properties (such as structural, functional, and spatial information, amino acid conservation, physicochemical variation, residue mobility, and thermodynamic stability) performed at Invitae indicates that this missense variant is expected to disrupt TPP1 protein function with a positive predictive value of 95%. In summary, the available evidence is currently insufficient to determine the role of this variant in disease. Therefore, it has been classified as a Variant of Uncertain Significance.